The following is an entry in ClinVar:

NM_024675.4(PALB2):c.1985A>G (p.Lys662Arg)

Gene: PALB2 (partner and localizer of BRCA2; minus strand). Cytogenetic location: 16p12.2.
Variant type: single nucleotide variant.
Coding change: c.1985A>G on transcript NM_024675.4 (MANE Select); coding-DNA position 1985, A replaced by G.
Protein change: p.Lys662Arg; replaces lysine 662 with arginine.
Molecular consequence: missense variant.
Genome position (GRCh38, 1-based): chr16:23,630,169, T>C on the plus strand (A>G on the coding strand, the complement: PALB2 is on the minus strand). VCF-style: chr16-23630169-T-C. GRCh37 (hg19) VCF-style: chr16-23641490-T-C.
Other names: short protein forms K662R.
Identifiers: ClinVar variation 486014 (VCV000486014.20), dbSNP rs1441798714, ClinGen allele CA395127249.

ClinVar aggregate classification (germline): Uncertain significance. Review status: criteria provided, multiple submitters, no conflicts (2 of 4 stars). 4 submissions from 4 submitters: Uncertain significance (4). Last evaluated 2025-12-10.

Conditions:
Hereditary cancer-predisposing syndrome. Also called: Tumor predisposition; Hereditary Cancer Syndrome; Hereditary neoplastic syndrome; Neoplastic Syndromes, Hereditary. Identifiers: Orphanet 140162, MedGen C0027672, MeSH D009386, MONDO:0015356.
Familial cancer of breast. Also called: hereditary breast carcinoma; BREAST CANCER, FAMILIAL; Hereditary breast cancer. Identifiers: Orphanet 227535, MedGen C0346153, MONDO:0016419, OMIM 114480. Disease mechanism: loss of function.

Allele frequency attached by ClinVar (database versions not stated): gnomAD 0.00001.
gnomAD v4.1: 1 of 1,614,070 alleles (0.000062%); highest among the groups gnomAD compares: Non-Finnish European, 0.000085%; no homozygotes.

Submissions (4):

Labcorp Genetics (formerly Invitae), Labcorp
Classification: Uncertain significance for Familial cancer of breast. Last evaluated: 2025-12-10. Review status: criteria provided, single submitter. Criteria: Invitae Variant Classification Sherloc (09022015). Collection method: clinical testing. Allele origin: germline.
Comment: This sequence change replaces lysine, which is basic and polar, with arginine, which is basic and polar, at codon 662 of the PALB2 protein (p.Lys662Arg). This variant is present in population databases (no rsID available, gnomAD 0.007%). This variant has not been reported in the literature in individuals affected with PALB2-related conditions. ClinVar contains an entry for this variant (Variation ID: 486014). Invitae Evidence Modeling of protein sequence and biophysical properties (such as structural, functional, and spatial information, amino acid conservation, physicochemical variation, residue mobility, and thermodynamic stability) has been performed for this missense variant. However, the output from this modeling did not meet the statistical confidence thresholds required to predict the impact of this variant on PALB2 protein function. In summary, the available evidence is currently insufficient to determine the role of this variant in disease. Therefore, it has been classified as a Variant of Uncertain Significance.

Ambry Genetics
Classification: Uncertain significance for Hereditary cancer-predisposing syndrome. Last evaluated: 2025-03-05. Review status: criteria provided, single submitter. Criteria: Ambry Variant Classification Scheme 2023. Collection method: clinical testing. Allele origin: germline.
Comment: The p.K662R variant (also known as c.1985A>G), located in coding exon 5 of the PALB2 gene, results from an A to G substitution at nucleotide position 1985. The lysine at codon 662 is replaced by arginine, an amino acid with highly similar properties. This amino acid position is not well conserved in available vertebrate species. In addition, this alteration is predicted to be tolerated by in silico analysis. Since supporting evidence is limited at this time, the clinical significance of this alteration remains unclear.

Baylor Genetics
Classification: Uncertain significance for Familial cancer of breast. Last evaluated: 2023-09-07. Review status: criteria provided, single submitter. Criteria: ACMG Guidelines, 2015. Collection method: clinical testing. Allele origin: unknown.

Color Diagnostics, LLC DBA Color Health
Classification: Uncertain significance for Hereditary cancer-predisposing syndrome. Last evaluated: 2023-05-01. Review status: criteria provided, single submitter. Criteria: ACMG Guidelines, 2015. Collection method: clinical testing. Allele origin: germline.
Comment: This missense variant replaces lysine with arginine at codon 662 of the PALB2 protein. Computational prediction suggests that this variant may not impact protein structure and function (internally defined REVEL score threshold <= 0.5, PMID: 27666373). To our knowledge, functional studies have not been reported for this variant. This variant has not been reported in individuals affected with PALB2-related disorders in the literature. This variant has been identified in 1/31396 chromosomes in the general population by the Genome Aggregation Database (gnomAD). The available evidence is insufficient to determine the role of this variant in disease conclusively. Therefore, this variant is classified as a Variant of Uncertain Significance.